The following is an entry in ClinVar:

NM_005045.4(RELN):c.3417G>C (p.Glu1139Asp)

Gene: RELN (reelin; minus strand). Cytogenetic location: 7q22.1.
Variant type: single nucleotide variant.
Coding change: c.3417G>C on transcript NM_005045.4 (MANE Select); coding-DNA position 3417, G replaced by C.
Protein change: p.Glu1139Asp; replaces glutamic acid 1139 with aspartic acid.
Molecular consequence: missense variant.
Genome position (GRCh38, 1-based): chr7:103,596,578, C>G on the plus strand (G>C on the coding strand, the complement: RELN is on the minus strand). VCF-style: chr7-103596578-C-G. GRCh37 (hg19) VCF-style: chr7-103237025-C-G.
Other names: c.3417G>C, p.Glu1139Asp (NM_173054.3); short protein forms E1139D.
Identifiers: ClinVar variation 3757452 (VCV003757452.3).

ClinVar aggregate classification (germline): Uncertain significance. Review status: criteria provided, multiple submitters, no conflicts (2 of 4 stars). 2 submissions from 2 submitters: Uncertain significance (2). Last evaluated 2024-07-30.

Conditions:
Norman-Roberts syndrome (LIS2). Also called: Lissencephaly 2 (Norman-Roberts type). Identifiers: Orphanet 89844, MedGen C0796089, MONDO:0009760, OMIM 257320.
Familial temporal lobe epilepsy 7. Identifiers: Orphanet 101046, MedGen C4225327, MONDO:0014639, OMIM 616436.

gnomAD v4.1: 6 of 1,614,084 alleles (0.00037%); highest among the groups gnomAD compares: Non-Finnish European, 0.00042%; no homozygotes.

Submissions (2):

Labcorp Genetics (formerly Invitae), Labcorp
Classification: Uncertain significance for Familial temporal lobe epilepsy 7; Norman-Roberts syndrome. Last evaluated: 2024-07-30. Review status: criteria provided, single submitter. Criteria: Invitae Variant Classification Sherloc (09022015). Collection method: clinical testing. Allele origin: germline.
Comment: This sequence change replaces glutamic acid, which is acidic and polar, with aspartic acid, which is acidic and polar, at codon 1139 of the RELN protein (p.Glu1139Asp). This variant is present in population databases (no rsID available, gnomAD 0.0009%). This variant has not been reported in the literature in individuals affected with RELN-related conditions. Advanced modeling of protein sequence and biophysical properties (such as structural, functional, and spatial information, amino acid conservation, physicochemical variation, residue mobility, and thermodynamic stability) performed at Invitae indicates that this missense variant is not expected to disrupt RELN protein function with a negative predictive value of 80%. In summary, the available evidence is currently insufficient to determine the role of this variant in disease. Therefore, it has been classified as a Variant of Uncertain Significance.

Blueprint Genetics
Classification: Uncertain significance. Last evaluated: 2023-06-20. Review status: criteria provided, single submitter. Criteria: ACMG Guidelines, 2015. Collection method: clinical testing. Allele origin: germline.